The following is an entry in ClinVar:

NM_022436.3(ABCG5):c.1282G>A (p.Gly428Ser)

Genes: ABCG5 (ATP binding cassette subfamily G member 5; minus strand), DYNC2LI1 (dynein cytoplasmic 2 light intermediate chain 1; plus strand). Cytogenetic location: 2p21.
Variant type: single nucleotide variant.
Coding change: c.1282G>A on transcript NM_022436.3 (MANE Select); coding-DNA position 1282, G replaced by A.
Protein change: p.Gly428Ser; replaces glycine 428 with serine.
Molecular consequence: missense variant. On other transcripts: intron variant (2).
Genome position (GRCh38, 1-based): chr2:43,823,955, C>T on the plus strand (G>A on the coding strand, the complement: ABCG5 is on the minus strand). VCF-style: chr2-43823955-C-T. GRCh37 (hg19) VCF-style: chr2-44051094-C-T.
Other names: c.*16-3431C>T (NM_001348913.2, NM_001348912.2); short protein forms G428S.
Identifiers: ClinVar variation 3416390 (VCV003416390.1).

ClinVar aggregate classification (germline): Uncertain significance (1 of 4 stars; one submission).

Conditions:
Cardiovascular phenotype. Identifiers: MedGen CN230736.

Submission:

Ambry Genetics
Classification: Uncertain significance for Cardiovascular phenotype. Last evaluated: 2024-10-14. Review status: criteria provided, single submitter. Criteria: Ambry Variant Classification Scheme 2023. Collection method: clinical testing. Allele origin: germline.
Comment: The p.G428S variant (also known as c.1282G>A), located in coding exon 9 of the ABCG5 gene, results from a G to A substitution at nucleotide position 1282. The glycine at codon 428 is replaced by serine, an amino acid with similar properties. This amino acid position is conserved. In addition, this alteration is predicted to be tolerated by in silico analysis. Based on the available evidence, the clinical significance of this variant remains unclear.